The following is an entry in ClinVar:

ClinVar aggregate classification (germline): Uncertain significance (1 of 4 stars; one submission).

Conditions:
Hereditary cancer-predisposing syndrome. Also called: Hereditary neoplastic syndrome; Tumor predisposition; Hereditary Cancer Syndrome; Neoplastic Syndromes, Hereditary. Identifiers: Orphanet 140162, MedGen C0027672, MeSH D009386, MONDO:0015356.

Allele frequency attached by ClinVar (database versions not stated): gnomAD exomes below 0.00001.
gnomAD v4.1: 2 of 1,600,440 alleles (0.00012%); highest among the groups gnomAD compares: South Asian, 0.0022%; no homozygotes.

Submission:

Ambry Genetics
Classification: Uncertain significance for Hereditary cancer-predisposing syndrome. Last evaluated: 2023-08-28. Review status: criteria provided, single submitter. Criteria: Ambry Variant Classification Scheme 2023. Collection method: clinical testing. Allele origin: germline.
Comment: The p.S86N variant (also known as c.257G>A), located in coding exon 3 of the FANCC gene, results from a G to A substitution at nucleotide position 257. The serine at codon 86 is replaced by asparagine, an amino acid with highly similar properties. This amino acid position is conserved. In addition, this alteration is predicted to be tolerated by in silico analysis. Since supporting evidence is limited at this time, the clinical significance of this alteration remains unclear.

NM_000136.3(FANCC):c.257G>A (p.Ser86Asn)

Gene: FANCC (FA complementation group C; minus strand). Cytogenetic location: 9q22.32.
Variant type: single nucleotide variant.
Coding change: c.257G>A on transcript NM_000136.3 (MANE Select); coding-DNA position 257, G replaced by A.
Protein change: p.Ser86Asn; replaces serine 86 with asparagine.
Molecular consequence: missense variant.
Genome position (GRCh38, 1-based): chr9:95,240,737, C>T on the plus strand (G>A on the coding strand, the complement: FANCC is on the minus strand). VCF-style: chr9-95240737-C-T. GRCh37 (hg19) VCF-style: chr9-98003019-C-T.
Other names: c.257G>A, p.Ser86Asn (NM_001243743.2, NM_001243744.2); short protein forms S86N.
Identifiers: ClinVar variation 2585985 (VCV002585985.2), dbSNP rs2542757261, ClinGen allele CA374339504.